The following is an entry in ClinVar:

NM_017999.5(RNF31):c.693C>T (p.Ser231=)

Gene: RNF31 (ring finger protein 31; plus strand). Cytogenetic location: 14q12.
Variant type: single nucleotide variant.
Coding change: c.693C>T on transcript NM_017999.5 (MANE Select); coding-DNA position 693, C replaced by T.
Protein change: p.Ser231=; no amino-acid change (serine 231 retained).
Molecular consequence: synonymous variant.
Genome position (GRCh38, 1-based): chr14:24,149,467, C>T. VCF-style: chr14-24149467-C-T. GRCh37 (hg19) VCF-style: chr14-24618676-C-T.
Other names: c.240C>T, p.Ser80= (NM_001310332.2).
Identifiers: ClinVar variation 4692505 (VCV004692505.1).

ClinVar aggregate classification (germline): Uncertain significance (1 of 4 stars; one submission).

Submission:

Labcorp Genetics (formerly Invitae), Labcorp
Classification: Uncertain significance. Last evaluated: 2025-09-29. Review status: criteria provided, single submitter. Criteria: Invitae Variant Classification Sherloc (09022015). Collection method: clinical testing. Allele origin: germline.
Comment: This sequence change affects codon 231 of the RNF31 mRNA. It is a 'silent' change, meaning that it does not change the encoded amino acid sequence of the RNF31 protein. This variant is present in population databases (rs376778540, gnomAD 0.01%). This variant has not been reported in the literature in individuals affected with RNF31-related conditions. Algorithms developed to predict the effect of sequence changes on RNA splicing suggest that this variant may create or strengthen a splice site. In summary, the available evidence is currently insufficient to determine the role of this variant in disease. Therefore, it has been classified as a Variant of Uncertain Significance.